The following is an entry in ClinVar:

NM_182961.4(SYNE1):c.5728A>G (p.Asn1910Asp)

Gene: SYNE1 (spectrin repeat containing nuclear envelope protein 1; minus strand). Cytogenetic location: 6q25.2.
Variant type: single nucleotide variant.
Coding change: c.5728A>G on transcript NM_182961.4 (MANE Select); coding-DNA position 5728, A replaced by G.
Protein change: p.Asn1910Asp; replaces asparagine 1910 with aspartic acid.
Molecular consequence: missense variant.
Genome position (GRCh38, 1-based): chr6:152,416,709, T>C on the plus strand (A>G on the coding strand, the complement: SYNE1 is on the minus strand). VCF-style: chr6-152416709-T-C. GRCh37 (hg19) VCF-style: chr6-152737844-T-C.
Other names: c.5749A>G, p.Asn1917Asp (NM_033071.5); short protein forms N1910D, N1917D.
Identifiers: ClinVar variation 1030077 (VCV001030077.1), dbSNP rs1459660658, ClinGen allele CA366132852.

ClinVar aggregate classification (germline): Uncertain significance (1 of 4 stars; one submission).

Conditions:
Emery-Dreifuss muscular dystrophy 4, autosomal dominant (EDMD4). Also called: EMERY-DREIFUSS MUSCULAR DYSTROPHY 4 WITH VARIABLE FEATURES. Identifiers: Orphanet 261, MedGen C2751807, MONDO:0013071, OMIM 612998.

Submission:

Baylor Genetics
Classification: Uncertain significance for Emery-Dreifuss muscular dystrophy 4, autosomal dominant. Last evaluated: 2019-09-10. Review status: criteria provided, single submitter. Criteria: ACMG Guidelines, 2015. Collection method: clinical testing. Allele origin: unknown. Affected: yes.
Comment: This variant was determined to be of uncertain significance according to ACMG Guidelines, 2015 [PMID:25741868].